The following is an entry in ClinVar:

NM_144997.7(FLCN):c.129_130insGC (p.Gln44fs)

Gene: FLCN (folliculin; minus strand). Cytogenetic location: 17p11.2.
Variant type: Insertion.
Coding change: c.129_130insGC on transcript NM_144997.7 (MANE Select); coding-DNA positions 129 to 130, GC inserted.
Protein change: p.Gln44fs; shifts the reading frame from glutamine 44.
Molecular consequence: frameshift variant.
Genome position: GRCh38 VCF-style: chr17-17228008-G-GGC. GRCh37 (hg19) VCF-style: chr17-17131322-G-GGC.
Other names: c.129_130insGC, p.Gln44fs (NM_001353229.2, NM_001353230.2, NM_001353231.2 and 1 more transcripts); short protein forms Q44fs.
Identifiers: ClinVar variation 4257946 (VCV004257946.2).

ClinVar aggregate classification (germline): Pathogenic/Likely pathogenic. Review status: criteria provided, multiple submitters, no conflicts (2 of 4 stars). 2 submissions from 2 submitters: Pathogenic (1); Likely pathogenic (1). Last evaluated 2025-09-03.

Conditions:
Hereditary cancer-predisposing syndrome. Also called: Hereditary Cancer Syndrome; Hereditary neoplastic syndrome; Neoplastic Syndromes, Hereditary; Tumor predisposition. Identifiers: Orphanet 140162, MedGen C0027672, MeSH D009386, MONDO:0015356.
Birt-Hogg-Dube syndrome 1 (BHD1). Also called: FIBROFOLLICULOMAS WITH TRICHODISCOMAS AND ACROCHORDONS. Identifiers: Orphanet 122, MedGen CN375946, MONDO:0800445, OMIM 135150.

Submissions (2):

Ambry Genetics
Classification: Pathogenic for Hereditary cancer-predisposing syndrome. Last evaluated: 2025-09-03. Review status: criteria provided, single submitter. Criteria: Ambry Variant Classification Scheme 2023. Collection method: clinical testing. Allele origin: germline.
Comment: The c.129_130insGC pathogenic mutation, located in coding exon 1 of the FLCN gene, results from an insertion of two nucleotides at position 129, causing a translational frameshift with a predicted alternate stop codon (p.Q44Afs*12). This variant is considered to be rare based on population cohorts in the Genome Aggregation Database (gnomAD). This alteration is expected to result in loss of function by premature protein truncation or nonsense-mediated mRNA decay. As such, this alteration is interpreted as a disease-causing mutation.

3billion
Classification: Likely pathogenic for Birt-Hogg-Dube syndrome 1. Last evaluated: 2025-01-21. Review status: criteria provided, single submitter. Criteria: ACMG Guidelines, 2015. Collection method: clinical testing. Allele origin: germline. Affected: yes.
Comment: The variant is not observed in the gnomAD v4.1.0 dataset. Predicted Consequence/Location: Frameshift: predicted to result in a loss or disruption of normal protein function through nonsense-mediated decay (NMD) or protein truncation. Multiple pathogenic variants are reported downstream of the variant. Therefore, this variant is classified as Likely pathogenic according to the recommendation of ACMG/AMP guideline.